The following is an entry in ClinVar:

ClinVar aggregate classification (germline): Benign/Likely benign. Review status: criteria provided, multiple submitters, no conflicts (2 of 4 stars). 10 submissions from 10 submitters: Benign (7); Likely benign (1). 2 of the submissions do not count toward it. Last evaluated 2026-09-01.

Conditions:
Inborn genetic diseases. Identifiers: MedGen C0950123, MeSH D030342.
Coffin-Siris syndrome 1 (CSS1). Also called: ARID1B-Related Coffin-Siris Syndrome; Mental retardation, autosomal dominant 12. Identifiers: Orphanet 1465, MedGen C3281201, MONDO:0007617, OMIM 135900. Disease mechanism: gain of function.

Allele frequency attached by ClinVar (database versions not stated): gnomAD exomes 0.00573 and 0.00477; 1000 Genomes Project 0.00100; 1000 Genomes Project 30x 0.00328; ExAC 0.00420; gnomAD 0.00438 and 0.00475; TOPMed 0.00539.
gnomAD v4.1: 8,376 of 1,488,164 alleles (0.56%); highest among the groups gnomAD compares: Middle Eastern, 2.1%; 32 homozygotes.

Submissions (10):

CeGaT Center for Human Genetics Tuebingen
Classification: Benign. Last evaluated: 2026-09-01. Review status: criteria provided, single submitter. Criteria: CeGaT Center For Human Genetics Tuebingen Variant Classification Criteria Version 2. Collection method: clinical testing. Allele origin: germline. Affected: yes. Observed: 77 variant alleles.
Comment: ARID1B: BS1, BS2

Labcorp Genetics (formerly Invitae), Labcorp
Classification: Benign. Last evaluated: 2026-02-03. Review status: criteria provided, single submitter. Criteria: Invitae Variant Classification Sherloc (09022015). Collection method: clinical testing. Allele origin: germline.

Blueprint Genetics
Classification: Likely benign. Last evaluated: 2024-11-23. Review status: criteria provided, single submitter. Criteria: ACMG Guidelines, 2015. Collection method: clinical testing. Allele origin: germline.

Genome-Nilou Lab
Classification: Benign for Coffin-Siris syndrome 1. Last evaluated: 2021-07-15. Review status: criteria provided, single submitter. Criteria: ACMG Guidelines, 2015. Collection method: clinical testing. Allele origin: germline. Affected: no.

GeneDx
Classification: Benign. Last evaluated: 2018-11-06. Review status: criteria provided, single submitter. Criteria: GeneDx Variant Classification Process June 2021. Collection method: clinical testing. Allele origin: germline. Affected: yes.
Comment: This variant is associated with the following publications: (PMID: 26845707)

Center for Pediatric Genomic Medicine, Children's Mercy Hospital and Clinics
Classification: Benign. Last evaluated: 2017-02-06. Review status: criteria provided, single submitter. Criteria: ACMG Guidelines, 2015. Collection method: clinical testing. Allele origin: germline.

Ambry Genetics
Classification: Benign for Inborn genetic diseases. Last evaluated: 2016-05-12. Review status: criteria provided, single submitter. Criteria: Ambry Variant Classification Scheme 2023. Collection method: clinical testing. Allele origin: germline.

Genetic Services Laboratory, University of Chicago
Classification: Benign. Last evaluated: 2015-11-16. Review status: criteria provided, single submitter. Criteria: ACMG Guidelines, 2015. Collection method: clinical testing. Allele origin: germline. Affected: no.

Clinical Genetics DNA and cytogenetics Diagnostics Lab, Erasmus MC, Erasmus Medical Center
Classification: Likely benign. Review status: no assertion criteria provided. Collection method: clinical testing. Allele origin: germline. Affected: yes. Study: VKGL Data-share Consensus. Not counted in ClinVar's aggregate classification.

Laboratory of Diagnostic Genome Analysis, Leiden University Medical Center (LUMC)
Classification: Likely benign. Review status: no assertion criteria provided. Collection method: clinical testing. Allele origin: germline. Affected: yes. Study: VKGL Data-share Consensus. Not counted in ClinVar's aggregate classification.

NM_001374828.1(ARID1B):c.985G>A (p.Gly329Ser)

Gene: ARID1B (AT-rich interaction domain 1B; plus strand). Cytogenetic location: 6q25.3.
Variant type: single nucleotide variant.
Coding change: c.985G>A on transcript NM_001374828.1 (MANE Select); coding-DNA position 985, G replaced by A.
Protein change: p.Gly329Ser; replaces glycine 329 with serine.
Molecular consequence: missense variant.
Genome position (GRCh38, 1-based): chr6:156,778,665, G>A. VCF-style: chr6-156778665-G-A. GRCh37 (hg19) VCF-style: chr6-157099799-G-A.
Other names: c.736G>A, p.Gly246Ser (NM_020732.3); c.985G>A, p.Gly329Ser (NM_001371656.1, NM_001374820.1, NM_017519.3); short protein forms G246S, G329S.
Identifiers: ClinVar variation 210310 (VCV000210310.54), dbSNP rs375160616, ClinGen allele CA205894.